The following is an entry in ClinVar:

ClinVar aggregate classification (germline): Likely benign (1 of 4 stars; one submission).

Conditions:
Leigh syndrome (NULS). Also called: Leigh's necrotizing encephalopathy; Leigh's disease; Leigh's syndrome; LEIGH SYNDROME, NUCLEAR; Leigh Syndrome (mtDNA deletion); Leigh Disease. Identifiers: Orphanet 506, MedGen C2931891, MONDO:0009723, OMIM 256000.

Submission:

Wong Mito Lab, Molecular and Human Genetics, Baylor College of Medicine
Classification: Likely benign for Leigh syndrome. Last evaluated: 2019-10-17. Review status: criteria provided, single submitter. Criteria: Modified ACMG Guidelines (Unpublished). Collection method: clinical testing. Allele origin: germline.
Comment: The NC_012920.1:m.15024G>C (YP_003024038.1:p.Cys93Ser) variant in MTCYB gene is interpretated to be a Likely Benign variant based on the modified ACMG guidelines (unpublished). This variant meets the following evidence codes: BS1, BP6

NC_012920.1(MT-CYB):m.15024G>C

Gene: MT-CYB (mitochondrially encoded cytochrome b; plus strand).
Variant type: single nucleotide variant.
Genome position: chrM-15024-G-C.
Identifiers: ClinVar variation 693812 (VCV000693812.1), dbSNP rs1603225028, ClinGen allele CA913172741.
Genomic context (GRCh38, chrMT:15,024, plus strand): 5'-TAAATTATGGCTGAATCATCCGCTACCTTCACGCCAATGGCGCCTCAATATTCTTTATCT[G>C]CCTCTTCCTACACATCGGGCGAGGCCTATATTACGGATCATTTCTCTACTCAGAAACCTG-3'